The following is an entry in ClinVar:

NM_005732.4(RAD50):c.265G>A (p.Val89Ile)

Gene: RAD50 (RAD50 double strand break repair protein; plus strand). Cytogenetic location: 5q31.1.
Variant type: single nucleotide variant.
Coding change: c.265G>A on transcript NM_005732.4 (MANE Select); coding-DNA position 265, G replaced by A.
Protein change: p.Val89Ile; replaces valine 89 with isoleucine.
Molecular consequence: missense variant.
Genome position (GRCh38, 1-based): chr5:132,575,828, G>A. VCF-style: chr5-132575828-G-A. GRCh37 (hg19) VCF-style: chr5-131911520-G-A.
Other names: p.V89I:GTC>ATC; short protein forms V89I.
Identifiers: ClinVar variation 128010 (VCV000128010.23), dbSNP rs151109830, ClinGen allele CA331879.
Genomic context (GRCh38, chr5:132,575,828, plus strand): 5'-CCTTCAAAGGTTGCTCAAGAAACAGATGTGAGAGCCCAGATTCGTCTGCAATTTCGTGAT[G>A]TCAATGGAGAACTTATAGCTGTGCAAAGATCTATGGTGTGTACTCAGAAAAGCAAAAAGA-3'
Protein context (NP_005723.2, residues 79-99): RAQIRLQFRD[Val89Ile]NGELIAVQRS

ClinVar aggregate classification (germline): Uncertain significance. Review status: criteria provided, multiple submitters, no conflicts (2 of 4 stars). 7 submissions from 7 submitters: Uncertain significance (7). Last evaluated 2025-11-10.

Conditions:
Familial ovarian cancer. Identifiers: MedGen C5679802, MONDO:0016248.
Familial cancer of breast. Also called: hereditary breast carcinoma; BREAST CANCER, FAMILIAL; Hereditary breast cancer. Identifiers: Orphanet 227535, MedGen C0346153, MONDO:0016419, OMIM 114480. Disease mechanism: loss of function.
Hereditary cancer-predisposing syndrome. Also called: Tumor predisposition; Hereditary neoplastic syndrome; Neoplastic Syndromes, Hereditary; Hereditary Cancer Syndrome. Identifiers: Orphanet 140162, MedGen C0027672, MeSH D009386, MONDO:0015356.
Nijmegen breakage syndrome-like disorder (NBSLD). Also called: MICROCEPHALY AND SPONTANEOUS CHROMOSOME INSTABILITY WITHOUT IMMUNODEFICIENCY; NBS-LIKE DISORDER; RAD50 DEFICIENCY. Identifiers: Orphanet 240760, MedGen C2751318, MONDO:0013118, OMIM 613078.

Allele frequency attached by ClinVar (database versions not stated): ExAC 0.00006; gnomAD 0.00009; TOPMed 0.00011; gnomAD exomes 0.00012 and 0.00029; ESP Exome Variant Server 0.00023.
gnomAD v4.1: 433 of 1,601,974 alleles (0.027%); highest among the groups gnomAD compares: Non-Finnish European, 0.034%; 3 homozygotes.

Submissions (7):

Labcorp Genetics (formerly Invitae), Labcorp
Classification: Uncertain significance for Hereditary cancer-predisposing syndrome. Last evaluated: 2025-11-10. Review status: criteria provided, single submitter. Criteria: Invitae Variant Classification Sherloc (09022015). Collection method: clinical testing. Allele origin: germline.
Comment: This sequence change replaces valine, which is neutral and non-polar, with isoleucine, which is neutral and non-polar, at codon 89 of the RAD50 protein (p.Val89Ile). This variant is present in population databases (rs151109830, gnomAD 0.04%). This variant has not been reported in the literature in individuals affected with RAD50-related conditions. ClinVar contains an entry for this variant (Variation ID: 128010). Invitae Evidence Modeling of protein sequence and biophysical properties (such as structural, functional, and spatial information, amino acid conservation, physicochemical variation, residue mobility, and thermodynamic stability) indicates that this missense variant is not expected to disrupt RAD50 protein function with a negative predictive value of 80%. In summary, the available evidence is currently insufficient to determine the role of this variant in disease. Therefore, it has been classified as a Variant of Uncertain Significance.

Dasa
Classification: Uncertain significance. Last evaluated: 2025-07-14. Review status: criteria provided, single submitter. Criteria: DASA Assertion Criteria. Collection method: clinical testing. Allele origin: germline.
Comment: NM_005732.4(RAD50):c.265G>A (p.Val89Ile) is a missense variant that results in the substitution of valine with isoleucine. This variant is rare in population databases. Computational prediction algorithms are consistent with a benign effect. The currently available literature and clinical evidence are not sufficient to establish a definitive association between this variant and the reported condition. Therefore, this variant is classified as a variant of uncertain significance.

Ambry Genetics
Classification: Uncertain significance for Hereditary cancer-predisposing syndrome. Last evaluated: 2024-08-01. Review status: criteria provided, single submitter. Criteria: Ambry Variant Classification Scheme 2023. Collection method: clinical testing. Allele origin: germline.
Comment: The p.V89I variant (also known as c.265G>A), located in coding exon 3 of the RAD50 gene, results from a G to A substitution at nucleotide position 265. The valine at codon 89 is replaced by isoleucine, an amino acid with highly similar properties. This amino acid position is highly conserved in available vertebrate species. In addition, this alteration is predicted to be tolerated by in silico analysis. Based on the available evidence, the clinical significance of this variant remains unclear.

Quest Diagnostics Nichols Institute San Juan Capistrano
Classification: Uncertain significance. Last evaluated: 2023-11-14. Review status: criteria provided, single submitter. Criteria: Quest Diagnostics criteria. Collection method: clinical testing. Allele origin: unknown.
Comment: The RAD50 c.265G>A (p.Val89Ile) variant has been reported in in individuals with breast cancer as well as in unaffected controls in a breast cancer association study (PMID: 33471991 (2021), see also LOVD). The frequency of this variant in the general population, 0.0004 (10/25124 chromosomes (Genome Aggregation Database)), is uninformative in the assessment of its pathogenicity. Analysis of this variant using bioinformatics tools for the prediction of the effect of amino acid changes on protein structure and function yielded conflicting predictions that this variant is benign or damaging. Based on the available information, we are unable to determine the clinical significance of this variant.

Baylor Genetics
Classification: Uncertain significance for Nijmegen breakage syndrome-like disorder. Last evaluated: 2023-10-10. Review status: criteria provided, single submitter. Criteria: ACMG Guidelines, 2015. Collection method: clinical testing. Allele origin: unknown.

Fulgent Genetics
Classification: Uncertain significance for Nijmegen breakage syndrome-like disorder. Last evaluated: 2022-02-18. Review status: criteria provided, single submitter. Criteria: ACMG Guidelines, 2015. Collection method: clinical testing. Allele origin: unknown.

GeneDx
Classification: Uncertain significance. Last evaluated: 2013-12-20. Review status: criteria provided, single submitter. Criteria: GeneDx Variant Classification (06012015). Collection method: clinical testing. Allele origin: germline. Affected: yes.
Comment: RAD50 has been only recently described in association with cancer predisposition and the risks are not well understood. This variant is denoted RAD50 c.265G>A at the cDNA(V89I) at the protein level, and results in the change of a Valine to an Isoleucine (GTC>ATC). This variant has not, to our knowledge, been published in the literature as pathogenic or benign. RAD50 Val89Ile was not observed at significant allele frequency in the NHLBI Exome Sequencing Project. This variant is a conservative substitution of one neutral non-polar amino acid for another, altering a position that is well conserved throughout evolution and is not located in a known functional domain. In silico analyses are inconsistent with regard to the effect this variant may have on protein structure and function. On a molecular level, the impact of this missense variant on protein structure and function is not known and thus we consider this to be a variant of uncertain significance. Furthermore, based on the currently available information, cancer risks associated with this variant, and the RAD50 gene, remain unclear.

Literature cited by the submitters: PubMed 33471991 (cited by Quest Diagnostics Nichols Institute San Juan Capistrano).